The following is an entry in ClinVar:

NM_006231.4(POLE):c.4721C>T (p.Ala1574Val)

Gene: POLE (DNA polymerase epsilon, catalytic subunit; minus strand). Cytogenetic location: 12q24.33.
Variant type: single nucleotide variant.
Coding change: c.4721C>T on transcript NM_006231.4 (MANE Select); coding-DNA position 4721, C replaced by T.
Protein change: p.Ala1574Val; replaces alanine 1574 with valine.
Molecular consequence: missense variant.
Genome position (GRCh38, 1-based): chr12:132,642,827, G>A on the plus strand (C>T on the coding strand, the complement: POLE is on the minus strand). VCF-style: chr12-132642827-G-A. GRCh37 (hg19) VCF-style: chr12-133219413-G-A.
Other names: short protein forms A1574V.
Identifiers: ClinVar variation 1378980 (VCV001378980.11), dbSNP rs2138538563, ClinGen allele CA387378622.
Genomic context (GRCh38, chr12:132,642,827, plus strand): 5'-ACCCAGCCTCAAAGAAGATGGGGCTCACACAGCAAGACCCCAACCACTCTCACCTTGTAG[G>A]CGAGCAGGAATCGCTGGATGGCTCTGCAGATGGTCTTCAGGTCAGTTTCTGCCCGAACTT-3'
Protein context (NP_006222.2, residues 1564-1584): ICRAIQRFLL[Ala1574Val]YKEERRGPTL

ClinVar aggregate classification (germline): Uncertain significance. Review status: criteria provided, multiple submitters, no conflicts (2 of 4 stars). 2 submissions from 2 submitters: Uncertain significance (2). Last evaluated 2024-04-19.

Conditions:
Hereditary cancer-predisposing syndrome. Also called: Neoplastic Syndromes, Hereditary; Hereditary Cancer Syndrome; Tumor predisposition; Hereditary neoplastic syndrome. Identifiers: Orphanet 140162, MedGen C0027672, MeSH D009386, MONDO:0015356.

Allele frequency attached by ClinVar (database versions not stated): gnomAD 0.00001; 1000 Genomes Project 30x 0.00016.
gnomAD v4.1: 2 of 1,614,036 alleles (0.00012%); highest among the groups gnomAD compares: South Asian, 0.0011%; no homozygotes.

Submissions (2):

Ambry Genetics
Classification: Uncertain significance for Hereditary cancer-predisposing syndrome. Last evaluated: 2024-04-19. Review status: criteria provided, single submitter. Criteria: Ambry Variant Classification Scheme 2023. Collection method: clinical testing. Allele origin: germline.
Comment: The p.A1574V variant (also known as c.4721C>T), located in coding exon 36 of the POLE gene, results from a C to T substitution at nucleotide position 4721. The alanine at codon 1574 is replaced by valine, an amino acid with similar properties. This amino acid position is conserved. In addition, this alteration is predicted to be tolerated by in silico analysis. Since supporting evidence is limited at this time, the clinical significance of this alteration remains unclear.

Labcorp Genetics (formerly Invitae), Labcorp
Classification: Uncertain significance. Last evaluated: 2021-03-14. Review status: criteria provided, single submitter. Criteria: Invitae Variant Classification Sherloc (09022015). Collection method: clinical testing. Allele origin: germline.
Comment: Algorithms developed to predict the effect of missense changes on protein structure and function (SIFT, PolyPhen-2, Align-GVGD) all suggest that this variant is likely to be tolerated, but these predictions have not been confirmed by published functional studies and their clinical significance is uncertain. This variant has not been reported in the literature in individuals with POLE-related conditions. This variant is not present in population databases (ExAC no frequency). This sequence change replaces alanine with valine at codon 1574 of the POLE protein (p.Ala1574Val). The alanine residue is weakly conserved and there is a small physicochemical difference between alanine and valine. In summary, the available evidence is currently insufficient to determine the role of this variant in disease. Therefore, it has been classified as a Variant of Uncertain Significance.